The following is an entry in ClinVar:

NM_001370259.2(MEN1):c.64C>A (p.Leu22Met)

Gene: MEN1 (menin 1; minus strand). Cytogenetic location: 11q13.1.
Variant type: single nucleotide variant.
Coding change: c.64C>A on transcript NM_001370259.2 (MANE Select); coding-DNA position 64, C replaced by A.
Protein change: p.Leu22Met; replaces leucine 22 with methionine.
Molecular consequence: missense variant. On other transcripts: non-coding transcript variant (4).
Genome position (GRCh38, 1-based): chr11:64,810,046, G>T on the plus strand (C>A on the coding strand, the complement: MEN1 is on the minus strand). VCF-style: chr11-64810046-G-T. GRCh37 (hg19) VCF-style: chr11-64577518-G-T.
Other names: c.64C>A, p.Leu22Met (NM_000244.4, NM_001370251.2, NM_001370260.2 and 20 more transcripts); short protein forms L22M.
Identifiers: ClinVar variation 2760379 (VCV002760379.3), dbSNP rs1592660695, ClinGen allele CA381188106.

ClinVar aggregate classification (germline): Likely pathogenic (1 of 4 stars; one submission).

Conditions:
Multiple endocrine neoplasia, type 1 (MEN1). Also called: MEA I; MEN I; WERMER SYNDROME; Endocrine adenomatosis multiple; MEN 1. Identifiers: Orphanet 652, MedGen C0025267, MeSH D018761, MONDO:0007540, OMIM 131100.

Submission:

Labcorp Genetics (formerly Invitae), Labcorp
Classification: Likely pathogenic for Multiple endocrine neoplasia, type 1. Last evaluated: 2023-09-12. Review status: criteria provided, single submitter. Criteria: Invitae Variant Classification Sherloc (09022015). Collection method: clinical testing. Allele origin: germline.
Comment: Advanced modeling of protein sequence and biophysical properties (such as structural, functional, and spatial information, amino acid conservation, physicochemical variation, residue mobility, and thermodynamic stability) performed at Invitae indicates that this missense variant is expected to disrupt MEN1 protein function. This variant has not been reported in the literature in individuals affected with MEN1-related conditions. This sequence change replaces leucine, which is neutral and non-polar, with methionine, which is neutral and non-polar, at codon 22 of the MEN1 protein (p.Leu22Met). This variant is not present in population databases (gnomAD no frequency). In summary, the currently available evidence indicates that the variant is pathogenic, but additional data are needed to prove that conclusively. Therefore, this variant has been classified as Likely Pathogenic. This variant disrupts the p.Leu22 amino acid residue in MEN1. Other variant(s) that disrupt this residue have been determined to be pathogenic (PMID: 9103196, 9498491; Invitae). This suggests that this residue is clinically significant, and that variants that disrupt this residue are likely to be disease-causing. Experimental studies have shown that this missense change does not substantially affect MEN1 function (PMID: 21819486).

Literature cited by the submitters: PubMed 9103196; PubMed 9498491; PubMed 21819486.